The following is an entry in ClinVar:

ClinVar aggregate classification (germline): Uncertain significance. Review status: criteria provided, multiple submitters, no conflicts (2 of 4 stars). 2 submissions from 2 submitters: Uncertain significance (2). Last evaluated 2021-05-10.

Conditions:
Hereditary cancer-predisposing syndrome. Also called: Hereditary neoplastic syndrome; Tumor predisposition; Neoplastic Syndromes, Hereditary; Hereditary Cancer Syndrome. Identifiers: Orphanet 140162, MedGen C0027672, MeSH D009386, MONDO:0015356.
Familial cancer of breast. Also called: hereditary breast carcinoma; Hereditary breast cancer; BREAST CANCER, FAMILIAL. Identifiers: Orphanet 227535, MedGen C0346153, MONDO:0016419, OMIM 114480. Disease mechanism: loss of function.

Submissions (2):

Sema4
Classification: Uncertain significance for Hereditary cancer-predisposing syndrome. Last evaluated: 2021-05-10. Review status: criteria provided, single submitter. Criteria: Sema4 Curation Guidelines. Collection method: curation. Allele origin: germline.
Comment: The PALB2 c.2215C>T (p.P739S) variant has not been reported in the literature to our knowledge. It was not observed in the large and broad cohorts of the Genome Aggregation Database (PMID: 32461654), nor was it reported in ClinVar. In silico tools suggest the impact of the variant on protein function is benign, though these predictions have not been confirmed by functional studies. The evidence is insufficient to meet ACMG/AMP criteria for classifying the variant as benign or pathogenic. Thus, the clinical significance of this variant is currently uncertain.

Labcorp Genetics (formerly Invitae), Labcorp
Classification: Uncertain significance for Familial cancer of breast. Last evaluated: 2021-03-27. Review status: criteria provided, single submitter. Criteria: Invitae Variant Classification Sherloc (09022015). Collection method: clinical testing. Allele origin: germline.
Comment: In summary, the available evidence is currently insufficient to determine the role of this variant in disease. Therefore, it has been classified as a Variant of Uncertain Significance. Algorithms developed to predict the effect of missense changes on protein structure and function output the following: SIFT: "Tolerated"; PolyPhen-2: "Benign"; Align-GVGD: "Class C0". The serine amino acid residue is found in multiple mammalian species, suggesting that this missense change does not adversely affect protein function. These predictions have not been confirmed by published functional studies and their clinical significance is uncertain. This variant has not been reported in the literature in individuals with PALB2-related conditions. This variant is not present in population databases (ExAC no frequency). This sequence change replaces proline with serine at codon 739 of the PALB2 protein (p.Pro739Ser). The proline residue is weakly conserved and there is a moderate physicochemical difference between proline and serine.

NM_024675.4(PALB2):c.2215C>T (p.Pro739Ser)

Gene: PALB2 (partner and localizer of BRCA2; minus strand). Cytogenetic location: 16p12.2.
Variant type: single nucleotide variant.
Coding change: c.2215C>T on transcript NM_024675.4 (MANE Select); coding-DNA position 2215, C replaced by T.
Protein change: p.Pro739Ser; replaces proline 739 with serine.
Molecular consequence: missense variant.
Genome position (GRCh38, 1-based): chr16:23,629,939, G>A on the plus strand (C>T on the coding strand, the complement: PALB2 is on the minus strand). VCF-style: chr16-23629939-G-A. GRCh37 (hg19) VCF-style: chr16-23641260-G-A.
Other names: short protein forms P739S.
Identifiers: ClinVar variation 1349418 (VCV001349418.9), dbSNP rs2142378149, ClinGen allele CA395125562.